The following is an entry in ClinVar:

NM_001134831.2(AHI1):c.2383_2386del (p.Glu795fs)

Gene: AHI1 (Abelson helper integration site 1; minus strand). Cytogenetic location: 6q23.3.
Variant type: Deletion.
Coding change: c.2383_2386del on transcript NM_001134831.2 (MANE Select); coding-DNA positions 2383 to 2386, 4 bases deleted (GAAA; older notation c.2383_2386delGAAA).
Protein change: p.Glu795fs; shifts the reading frame from glutamic acid 795.
Molecular consequence: frameshift variant.
Genome position (GRCh38, 1-based): chr6:135,429,988-135,429,991, TTTC deleted on the plus strand (GAAA on the coding strand, the reverse complement: AHI1 is on the minus strand); deleting any 4 consecutive bases within chr6:135,429,988-135,429,994 gives the same sequence; the c. name uses the placement nearest the transcript's 3' end. VCF-style (leftmost placement, unchanged base first): chr6-135429987-GTTTC-G. GRCh37 (hg19) VCF-style: chr6-135751125-GTTTC-G.
Other names: c.2383_2386del, p.Glu795fs (NM_001134830.2, NM_001134832.2, NM_001350503.2 and 2 more transcripts); short protein forms E795fs.
Identifiers: ClinVar variation 1927116 (VCV001927116.6), dbSNP rs1425381964, ClinGen allele CA570557612.

ClinVar aggregate classification (germline): Pathogenic. Review status: criteria provided, multiple submitters, no conflicts (2 of 4 stars). 2 submissions from 2 submitters: Pathogenic (2). Last evaluated 2025-06-19.

Conditions:
Joubert syndrome. Also called: JOUBERT-BOLTSHAUSER SYNDROME; Familial aplasia of the vermis. Identifiers: Orphanet 475, MedGen C5979921, MONDO:0018772.
Joubert syndrome 3 (JBTS3). Also called: AHI1-related Ciliopathy. Identifiers: Orphanet 220493, MedGen C1837713, MONDO:0012078, OMIM 608629.

Submissions (2):

Labcorp Genetics (formerly Invitae), Labcorp
Classification: Pathogenic for Joubert syndrome. Last evaluated: 2025-06-19. Review status: criteria provided, single submitter. Criteria: Invitae Variant Classification Sherloc (09022015). Collection method: clinical testing. Allele origin: germline.
Comment: This sequence change creates a premature translational stop signal (p.Glu795Leufs*8) in the AHI1 gene. It is expected to result in an absent or disrupted protein product. Loss-of-function variants in AHI1 are known to be pathogenic (PMID: 15322546, 16453322, 28442542, 29186038). This variant is present in population databases (no rsID available, gnomAD 0.01%). This variant has not been reported in the literature in individuals affected with AHI1-related conditions. ClinVar contains an entry for this variant (Variation ID: 1927116). Algorithms developed to predict the effect of sequence changes on RNA splicing suggest that this variant may disrupt the consensus splice site. For these reasons, this variant has been classified as Pathogenic.

Myriad Genetics, Inc.
Classification: Pathogenic for Joubert syndrome 3. Last evaluated: 2025-05-06. Review status: criteria provided, single submitter. Criteria: Myriad Autosomal Dominant, Autosomal Recessive and X-Linked Classification Criteria (2023). Collection method: clinical testing. Allele origin: unknown.
Comment: NM_001134831.1(AHI1):c.2383_2386delGAAA(E795Lfs*8) is expected to be pathogenic in the context of Joubert syndrome, AHI1-related. This variant is predicted to lead to an abnormal or absent protein product due to the creation of a premature termination codon in AHI1, a gene where loss-of-function variants are known to be pathogenic. Please note: this variant was assessed in the context of healthy population screening.

Literature cited by the submitters: PubMed 15322546 (cited by Labcorp Genetics (formerly Invitae), Labcorp); PubMed 16453322 (cited by Labcorp Genetics (formerly Invitae), Labcorp); PubMed 28442542 (cited by Labcorp Genetics (formerly Invitae), Labcorp); PubMed 29186038 (cited by Labcorp Genetics (formerly Invitae), Labcorp).